The following is an entry in ClinVar:

ClinVar aggregate classification (germline): Conflicting classifications of pathogenicity. Review status: criteria provided, conflicting classifications (1 of 4 stars). 4 submissions from 4 submitters: Uncertain significance (2); Likely benign (2). Last evaluated 2025-11-21.

Allele frequency attached by ClinVar (database versions not stated): gnomAD exomes 0.00001; ExAC 0.00002; gnomAD 0.00003; TOPMed 0.00003.
gnomAD v4.1: 20 of 1,612,916 alleles (0.0012%); highest among the groups gnomAD compares: Admixed American, 0.0033%; no homozygotes.

Submissions (4):

GeneDx
Classification: Uncertain significance. Last evaluated: 2025-11-21. Review status: criteria provided, single submitter. Criteria: GeneDx Variant Classification Process June 2021. Collection method: clinical testing. Allele origin: germline.
Comment: Not observed at significant frequency in large population cohorts (gnomAD); In silico analysis suggests that this missense variant does not alter protein structure/function; Has not been previously published as pathogenic or benign to our knowledge

Labcorp Genetics (formerly Invitae), Labcorp
Classification: Likely benign. Last evaluated: 2023-10-27. Review status: criteria provided, single submitter. Criteria: Invitae Variant Classification Sherloc (09022015). Collection method: clinical testing. Allele origin: germline.

Laboratory for Molecular Medicine, Mass General Brigham Personalized Medicine
Classification: Likely benign. Last evaluated: 2017-03-26. Review status: criteria provided, single submitter. Criteria: LMM Criteria. Collection method: clinical testing. Allele origin: germline. Observed: 1 variant allele.
Comment: p.Val3258Ile in exon 46 of GPR98: This variant is not expected to have clinical significance due to a lack of conservation across species, including mammals. Of note, 32 mammal species have an isoleucine (Ile) at this position despite high nearby amino acid conservation. In addition, computational prediction tools do n ot suggest a high likelihood of impact to the protein. It has also been identifi ed in in 2/66706 European chromosomes by the Exome Aggregation Consortium (ExAC; dbSNP rs764987437).

Eurofins Ntd Llc (ga)
Classification: Uncertain significance. Last evaluated: 2015-04-24. Review status: criteria provided, single submitter. Criteria: EGL Classification Definitions 2015. Collection method: clinical testing. Allele origin: germline. Observed: 2 variant alleles, 2 heterozygotes.

NM_032119.4(ADGRV1):c.9772G>A (p.Val3258Ile)

Gene: ADGRV1 (adhesion G protein-coupled receptor V1; plus strand). Cytogenetic location: 5q14.3.
Variant type: single nucleotide variant.
Coding change: c.9772G>A on transcript NM_032119.4 (MANE Select); coding-DNA position 9772, G replaced by A.
Protein change: p.Val3258Ile; replaces valine 3258 with isoleucine.
Molecular consequence: missense variant. On other transcripts: non-coding transcript variant (1).
Genome position (GRCh38, 1-based): chr5:90,724,855, G>A. VCF-style: chr5-90724855-G-A. GRCh37 (hg19) VCF-style: chr5-90020672-G-A.
Other names: short protein forms V3258I.
Identifiers: ClinVar variation 197554 (VCV000197554.13), dbSNP rs764987437, ClinGen allele CA245786.